The following is an entry in ClinVar:

NM_006421.5(ARFGEF1):c.62C>T (p.Ala21Val)

Gene: ARFGEF1 (ARF guanine nucleotide exchange factor 1; minus strand). Cytogenetic location: 8q13.2.
Variant type: single nucleotide variant.
Coding change: c.62C>T on transcript NM_006421.5 (MANE Select); coding-DNA position 62, C replaced by T.
Protein change: p.Ala21Val; replaces alanine 21 with valine.
Molecular consequence: missense variant. On other transcripts: 5 prime UTR variant (4), non-coding transcript variant (1).
Genome position (GRCh38, 1-based): chr8:67,343,226, G>A on the plus strand (C>T on the coding strand, the complement: ARFGEF1 is on the minus strand). VCF-style: chr8-67343226-G-A. GRCh37 (hg19) VCF-style: chr8-68255461-G-A.
Other names: c.62C>T, p.Ala21Val (NM_001413184.1, NM_001413185.1, NM_001413186.1 and 7 more transcripts); c.-529C>T (NM_001413188.1); c.-575C>T (NM_001413193.1); c.-1054C>T (NM_001413196.1); c.-508C>T (NM_001413197.1); short protein forms A21V.
Identifiers: ClinVar variation 4075545 (VCV004075545.1).
Genomic context (GRCh38, chr8:67,343,226, plus strand): 5'-AACGCCACCTCGCAAGCTTTGCGCAGCTGGGAGTGATGCGCCTTCTTCACTTCCTTGTCG[G>A]CCAATATCTTCTCCAGAGCCCGGGTCAGGAACATGTTCTTCGTCTTCTTCCCCTCATACA-3'
Protein context (NP_006412.2, residues 11-31): FLTRALEKIL[Ala21Val]DKEVKKAHHS

ClinVar aggregate classification (germline): Uncertain significance (1 of 4 stars; one submission).

gnomAD v4.1: 3 of 1,613,842 alleles (0.00019%); highest among the groups gnomAD compares: South Asian, 0.0011%; no homozygotes.

Submission:

GeneDx
Classification: Uncertain significance. Last evaluated: 2025-02-05. Review status: criteria provided, single submitter. Criteria: GeneDx Variant Classification Process June 2021. Collection method: clinical testing. Allele origin: germline. Affected: yes.
Comment: Not observed at significant frequency in large population cohorts (gnomAD); In silico analysis supports that this missense variant has a deleterious effect on protein structure/function; Has not been previously published as pathogenic or benign to our knowledge